The following is an entry in ClinVar:

NM_012414.4(RAB3GAP2):c.893C>T (p.Pro298Leu)

Gene: RAB3GAP2 (RAB3 GTPase activating non-catalytic protein subunit 2; minus strand). Cytogenetic location: 1q41.
Variant type: single nucleotide variant.
Coding change: c.893C>T on transcript NM_012414.4 (MANE Select); coding-DNA position 893, C replaced by T.
Protein change: p.Pro298Leu; replaces proline 298 with leucine.
Molecular consequence: missense variant.
Genome position (GRCh38, 1-based): chr1:220,196,317, G>A on the plus strand (C>T on the coding strand, the complement: RAB3GAP2 is on the minus strand). VCF-style: chr1-220196317-G-A. GRCh37 (hg19) VCF-style: chr1-220369659-G-A.
Other names: short protein forms P298L.
Identifiers: ClinVar variation 2147256 (VCV002147256.4), dbSNP rs746915333, ClinGen allele CA1402835.
Genomic context (GRCh38, chr1:220,196,317, plus strand): 5'-GCATAGAAGAAGCCAGTAAATGGATTGGACCCTACAGTGATATACTGAGACATGGCAGGT[G>A]GACTATTTTTAATTGCTGCATTAAATCCACCTATATTGGAGGCAGTCTTCATTTGATCAA-3'
Protein context (NP_036546.2, residues 288-308): GGFNAAIKNS[Pro298Leu]PAMSQYITVG

ClinVar aggregate classification (germline): Uncertain significance (1 of 4 stars; one submission).

Conditions:
Warburg micro syndrome 2 (WARBM2). Also called: MICRO SYNDROME 2. Identifiers: Orphanet 2510, MedGen C3280214, MONDO:0013641, OMIM 614225.
Martsolf syndrome (MARTS). Also called: Congenital cataract with intellectual disability and hypogonadotropic hypogonadism syndrome. Identifiers: Orphanet 1387, MedGen C0796037, MONDO:0023910.

Allele frequency attached by ClinVar (database versions not stated): ExAC 0.00001; gnomAD exomes 0.00001.
gnomAD v4.1: 9 of 1,611,094 alleles (0.00056%); highest among the groups gnomAD compares: East Asian, 0.011%; no homozygotes.

Submission:

Labcorp Genetics (formerly Invitae), Labcorp
Classification: Uncertain significance for Martsolf syndrome; Warburg micro syndrome 2. Last evaluated: 2022-03-29. Review status: criteria provided, single submitter. Criteria: Invitae Variant Classification Sherloc (09022015). Collection method: clinical testing. Allele origin: germline.
Comment: This variant has not been reported in the literature in individuals affected with RAB3GAP2-related conditions. This sequence change replaces proline, which is neutral and non-polar, with leucine, which is neutral and non-polar, at codon 298 of the RAB3GAP2 protein (p.Pro298Leu). This variant is present in population databases (rs746915333, gnomAD 0.0009%). Algorithms developed to predict the effect of missense changes on protein structure and function output the following: SIFT: "Tolerated"; PolyPhen-2: "Benign"; Align-GVGD: "Class C0". The leucine amino acid residue is found in multiple mammalian species, which suggests that this missense change does not adversely affect protein function. In summary, the available evidence is currently insufficient to determine the role of this variant in disease. Therefore, it has been classified as a Variant of Uncertain Significance.